The following is an entry in ClinVar:

NM_005120.3(MED12):c.5336C>T (p.Thr1779Ile)

Gene: MED12 (mediator complex subunit 12; plus strand). Cytogenetic location: Xq13.1.
Variant type: single nucleotide variant.
Coding change: c.5336C>T on transcript NM_005120.3 (MANE Select); coding-DNA position 5336, C replaced by T.
Protein change: p.Thr1779Ile; replaces threonine 1779 with isoleucine.
Molecular consequence: missense variant.
Genome position (GRCh38, 1-based): chrX:71,136,591, C>T. VCF-style: chrX-71136591-C-T. GRCh37 (hg19) VCF-style: chrX-70356441-C-T.
Other names: short protein forms T1779I.
Identifiers: ClinVar variation 528481 (VCV000528481.9), dbSNP rs1556338856, ClinGen allele CA413535008.

ClinVar aggregate classification (germline): Uncertain significance (1 of 4 stars; one submission).

Conditions:
FG syndrome (FGS). Identifiers: MedGen C0220769, MONDO:0002010.

Submission:

Labcorp Genetics (formerly Invitae), Labcorp
Classification: Uncertain significance for FG syndrome. Last evaluated: 2017-09-13. Review status: criteria provided, single submitter. Criteria: Invitae Variant Classification Sherloc (09022015). Collection method: clinical testing. Allele origin: germline.
Comment: In summary, the available evidence is currently insufficient to determine the role of this variant in disease. Therefore, it has been classified as a Variant of Uncertain Significance. Algorithms developed to predict the effect of missense changes on protein structure and function do not agree on the potential impact of this missense change (SIFT: "Deleterious"; PolyPhen-2: "Benign"; Align-GVGD: "Class C15"). This variant has not been reported in the literature in individuals with MED12-related disease. This variant is not present in population databases (ExAC no frequency). This sequence change replaces threonine with isoleucine at codon 1779 of the MED12 protein (p.Thr1779Ile). The threonine residue is highly conserved and there is a moderate physicochemical difference between threonine and isoleucine.